The following is an entry in ClinVar:

NM_006904.7(PRKDC):c.9853C>T (p.His3285Tyr)

Gene: PRKDC (protein kinase, DNA-activated, catalytic subunit; minus strand). Cytogenetic location: 8q11.21.
Variant type: single nucleotide variant.
Coding change: c.9853C>T on transcript NM_006904.7 (MANE Select); coding-DNA position 9853, C replaced by T.
Protein change: p.His3285Tyr; replaces histidine 3285 with tyrosine.
Molecular consequence: missense variant.
Genome position (GRCh38, 1-based): chr8:47,803,375, G>A on the plus strand (C>T on the coding strand, the complement: PRKDC is on the minus strand). VCF-style: chr8-47803375-G-A. GRCh37 (hg19) VCF-style: chr8-48715936-G-A.
Other names: c.9853C>T, p.His3285Tyr (NM_001081640.2); short protein forms H3285Y.
Identifiers: ClinVar variation 2118224 (VCV002118224.3), dbSNP rs2551863338, ClinGen allele CA371136619.
Genomic context (GRCh38, chr8:47,803,375, plus strand): 5'-AGACTGTTTTCAGCACAGTGAGCACCTGCTCAGAGCAGCCCTGGGACCGGCTCCGGCAGT[G>A]GCTCAGGCGGCAGTAGCTCTGCACCCAGCTCACCAGCCAATCGTCTCTGGTTTTTGACTC-3'
Protein context (NP_008835.5, residues 3275-3295): SWVQSYCRLS[His3285Tyr]CRSRSQGCSE

ClinVar aggregate classification (germline): Uncertain significance (1 of 4 stars; one submission).

Conditions:
Severe combined immunodeficiency due to DNA-PKcs deficiency. Also called: IMMUNODEFICIENCY 26 WITH NEUROLOGIC ABNORMALITIES; Immunodeficiency 26 with or without neurologic abnormalities. Identifiers: Orphanet 317425, MedGen C4014833, MONDO:0014423, OMIM 615966.

Submission:

Labcorp Genetics (formerly Invitae), Labcorp
Classification: Uncertain significance for Severe combined immunodeficiency due to DNA-PKcs deficiency. Last evaluated: 2024-05-06. Review status: criteria provided, single submitter. Criteria: Invitae Variant Classification Sherloc (09022015). Collection method: clinical testing. Allele origin: germline.
Comment: This sequence change replaces histidine, which is basic and polar, with tyrosine, which is neutral and polar, at codon 3285 of the PRKDC protein (p.His3285Tyr). This variant is not present in population databases (gnomAD no frequency). This variant has not been reported in the literature in individuals affected with PRKDC-related conditions. ClinVar contains an entry for this variant (Variation ID: 2118224). Advanced modeling of protein sequence and biophysical properties (such as structural, functional, and spatial information, amino acid conservation, physicochemical variation, residue mobility, and thermodynamic stability) performed at Invitae indicates that this missense variant is expected to disrupt PRKDC protein function with a positive predictive value of 80%. In summary, the available evidence is currently insufficient to determine the role of this variant in disease. Therefore, it has been classified as a Variant of Uncertain Significance.